The following is an entry in ClinVar:

NM_000051.4(ATM):c.3996T>C (p.Ile1332=)

Gene: ATM (ATM serine/threonine kinase; plus strand). Cytogenetic location: 11q22.3.
Variant type: single nucleotide variant.
Coding change: c.3996T>C on transcript NM_000051.4 (MANE Select); coding-DNA position 3996, T replaced by C.
Protein change: p.Ile1332=; no amino-acid change (isoleucine 1332 retained).
Molecular consequence: synonymous variant.
Genome position (GRCh38, 1-based): chr11:108,287,602, T>C. VCF-style: chr11-108287602-T-C. GRCh37 (hg19) VCF-style: chr11-108158329-T-C.
Other names: c.3996T>C, p.Ile1332= (NM_001351834.2).
Identifiers: ClinVar variation 1080707 (VCV001080707.10), dbSNP rs1180449859, ClinGen allele CA476673559.

ClinVar aggregate classification (germline): Benign/Likely benign. Review status: criteria provided, multiple submitters, no conflicts (2 of 4 stars). 2 submissions from 2 submitters: Benign (1); Likely benign (1). Last evaluated 2024-05-16.

Conditions:
Familial cancer of breast. Also called: BREAST CANCER, FAMILIAL; Hereditary breast cancer; hereditary breast carcinoma. Identifiers: Orphanet 227535, MedGen C0346153, MONDO:0016419, OMIM 114480. Disease mechanism: loss of function.
Ataxia-telangiectasia syndrome (AT). Also called: Ataxia-telangiectasia, complementation group D; Ataxia-telangiectasia, complementation group E; Cerebello-oculocutaneous telangiectasia; Immunodeficiency with ataxia telangiectasia; Ataxia telangiectasia (A-T); Ataxia-telangiectasia. Identifiers: Orphanet 100, MedGen C0004135, MONDO:0008840, OMIM 208900.

Allele frequency attached by ClinVar (database versions not stated): gnomAD exomes below 0.00001; gnomAD 0.00001.
gnomAD v4.1: 2 of 1,600,856 alleles (0.00012%); highest among the groups gnomAD compares: South Asian, 0.0022%; no homozygotes.

Submissions (2):

Myriad Genetics, Inc.
Classification: Benign for Familial cancer of breast. Last evaluated: 2024-05-16. Review status: criteria provided, single submitter. Criteria: Myriad Autosomal Dominant, Autosomal Recessive and X-Linked Classification Criteria (2023). Collection method: clinical testing. Allele origin: unknown.
Comment: This variant is considered benign. This variant is a silent/synonymous amino acid change and it is not expected to impact splicing.

Labcorp Genetics (formerly Invitae), Labcorp
Classification: Likely benign for Ataxia-telangiectasia syndrome. Last evaluated: 2023-08-29. Review status: criteria provided, single submitter. Criteria: Invitae Variant Classification Sherloc (09022015). Collection method: clinical testing. Allele origin: germline.